The following is an entry in ClinVar:

ClinVar aggregate classification (germline): Likely pathogenic. Review status: criteria provided, multiple submitters, no conflicts (2 of 4 stars). 2 submissions from 2 submitters: Likely pathogenic (2). Last evaluated 2026-02-09.

Conditions:
Cardiovascular phenotype. Identifiers: MedGen CN230736.
Dilated cardiomyopathy 1G (CMD1G). Identifiers: Orphanet 154, MedGen C1858763, MONDO:0011400, OMIM 604145.
Autosomal recessive limb-girdle muscular dystrophy type 2J (LGMDR10). Also called: Limb-girdle muscular dystrophy, type 2J; MUSCULAR DYSTROPHY, LIMB-GIRDLE, AUTOSOMAL RECESSIVE 10. Identifiers: Orphanet 140922, MedGen C1837342, MONDO:0012127, OMIM 608807.

Submissions (2):

Ambry Genetics
Classification: Likely pathogenic for Cardiovascular phenotype. Last evaluated: 2026-02-09. Review status: criteria provided, single submitter. Criteria: Ambry Variant Classification Scheme 2023. Collection method: clinical testing. Allele origin: germline.
Comment: The c.68634_68635insG variant, located in coding exon 172 of the TTN gene, results from an insertion of one nucleotide at position 68634, causing a translational frameshift with a predicted alternate stop codon (p.Y22879Vfs*11). This exon is located in the A-band region of the N2-B isoform of the titin protein and is constitutively expressed in TTN transcripts (percent spliced in or PSI 100%). This variant was reported in individual(s) with features consistent with dilated cardiomyopathy (Ambry internal data). This variant is considered to be rare based on population cohorts in the Genome Aggregation Database (gnomAD). This variant is expected to result in loss of function by premature protein truncation or nonsense-mediated mRNA decay. While truncating variants in TTN are present in 1-3% of the general population, truncating variants in the A-band are the most common cause of dilated cardiomyopathy (Herman DS et al. N. Engl. J. Med., 2012 Feb;366:619-28; Roberts AM et al. Sci Transl Med, 2015 Jan;7:270ra6). TTN truncating variants encoded in constitutive exons (PSI >90%) have been found to be significantly associated with DCM regardless of their position in titin (Schafer S et al. Nat. Genet., 2017 01;49:46-53; Akhtar MM et al. Circ Heart Fail, 2020 Oct;13:e006832; Massier M et al. Clin Genet, 2025 Jan). Based on the majority of available evidence to date, this variant is likely to be pathogenic.

Labcorp Genetics (formerly Invitae), Labcorp
Classification: Likely pathogenic for Dilated cardiomyopathy 1G; Autosomal recessive limb-girdle muscular dystrophy type 2J. Last evaluated: 2025-07-02. Review status: criteria provided, single submitter. Criteria: Invitae Variant Classification Sherloc (09022015). Collection method: clinical testing. Allele origin: germline.
Comment: This sequence change creates a premature translational stop signal (p.Tyr31944Valfs*11) in the TTN gene. While this is not anticipated to result in nonsense mediated decay, it is expected to create a truncated TTN protein. This variant is not present in population databases (gnomAD no frequency). This variant has not been reported in the literature in individuals affected with TTN-related conditions. ClinVar contains an entry for this variant (Variation ID: 1755848). This variant is located in the A band of TTN (PMID: 25589632). Truncating variants in this region are significantly overrepresented in patients affected with dilated cardiomyopathy (PMID: 25589632). Truncating variants in this region have also been reported in individuals affected with autosomal recessive centronuclear myopathy (PMID: 23975875). In summary, the currently available evidence indicates that the variant is pathogenic, but additional data are needed to prove that conclusively. Therefore, this variant has been classified as Likely Pathogenic.

Literature cited by the submitters: PubMed 25589632 (cited by Labcorp Genetics (formerly Invitae), Labcorp); PubMed 23975875 (cited by Labcorp Genetics (formerly Invitae), Labcorp).

NM_001267550.2(TTN):c.95829_95830insG (p.Tyr31944fs)

Genes: TTN-AS1 (TTN antisense RNA 1; plus strand), TTN (titin; minus strand). Cytogenetic location: 2q31.2.
Variant type: Insertion.
Coding change: c.95829_95830insG on transcript NM_001267550.2 (MANE Select); coding-DNA positions 95829 to 95830, G inserted.
Protein change: p.Tyr31944fs; shifts the reading frame from tyrosine 31944.
Molecular consequence: frameshift variant.
Genome position: GRCh38 VCF-style: chr2-178544399-A-AC. GRCh37 (hg19) VCF-style: chr2-179409126-A-AC.
Other names: c.90906_90907insG, p.Tyr30303fs (NM_001256850.1); c.68634_68635insG, p.Tyr22879fs (NM_003319.4); c.88125_88126insG, p.Tyr29376fs (NM_133378.4); c.69009_69010insG, p.Tyr23004fs (NM_133432.3); c.69210_69211insG, p.Tyr23071fs (NM_133437.4); short protein forms Y23004fs, Y23071fs, Y30303fs, Y31944fs, Y22879fs, Y29376fs.
Identifiers: ClinVar variation 1755848 (VCV001755848.6), dbSNP rs2468967933, ClinGen allele CA2577170242.